The following is an entry in ClinVar:

ClinVar aggregate classification (germline): Conflicting classifications of pathogenicity. Review status: criteria provided, conflicting classifications (1 of 4 stars). 3 submissions from 3 submitters: Uncertain significance (2); Likely benign (1). Last evaluated 2023-03-23.

Conditions:
Hereditary cancer-predisposing syndrome. Also called: Hereditary Cancer Syndrome; Neoplastic Syndromes, Hereditary; Tumor predisposition; Hereditary neoplastic syndrome. Identifiers: Orphanet 140162, MedGen C0027672, MeSH D009386, MONDO:0015356.

Allele frequency attached by ClinVar (database versions not stated): gnomAD exomes 0.00001; ExAC 0.00002.
gnomAD v4.1: 2 of 1,613,614 alleles (0.00012%); highest among the groups gnomAD compares: South Asian, 0.0022%; no homozygotes.

Submissions (3):

University of Washington Department of Laboratory Medicine, University of Washington
Classification: Likely benign for Hereditary cancer-predisposing syndrome. Last evaluated: 2023-03-23. Review status: criteria provided, single submitter. Criteria: Dines et al. (Genet Med. 2020). Collection method: curation. Allele origin: germline.
Comment: Missense variant in a coldspot region where missense variants are very unlikely to be pathogenic (PMID:31911673).

BRCA1 coldspot (exon 11 using historical exon numbering). Reclassification based on statistical prior probability

Ambry Genetics
Classification: Uncertain significance for Hereditary cancer-predisposing syndrome. Last evaluated: 2021-11-03. Review status: criteria provided, single submitter. Criteria: Ambry Variant Classification Scheme 2023. Collection method: clinical testing. Allele origin: germline.
Comment: The p.E1092D variant (also known as c.3276G>T), located in coding exon 9 of the BRCA1 gene, results from a G to T substitution at nucleotide position 3276. The glutamic acid at codon 1092 is replaced by aspartic acid, an amino acid with highly similar properties. This amino acid position is not well conserved in available vertebrate species. In addition, the in silico prediction for this alteration is inconclusive. Since supporting evidence is limited at this time, the clinical significance of this alteration remains unclear.

Color Diagnostics, LLC DBA Color Health
Classification: Uncertain significance for Hereditary cancer-predisposing syndrome. Last evaluated: 2019-04-08. Review status: criteria provided, single submitter. Criteria: ACMG Guidelines, 2015. Collection method: clinical testing. Allele origin: germline.

NM_007294.4(BRCA1):c.3276G>T (p.Glu1092Asp)

Genes: BRCA1 (BRCA1 DNA repair associated; minus strand), LOC126862571 (BRD4-independent group 4 enhancer GRCh37_chr17:41243136-41244335; plus strand). Cytogenetic location: 17q21.31.
Variant type: single nucleotide variant.
Coding change: c.3276G>T on transcript NM_007294.4 (MANE Select); coding-DNA position 3276, G replaced by T.
Protein change: p.Glu1092Asp; replaces glutamic acid 1092 with aspartic acid.
Molecular consequence: missense variant. On other transcripts: intron variant (137).
Genome position (GRCh38, 1-based): chr17:43,092,255, C>A on the plus strand (G>T on the coding strand, the complement: BRCA1 is on the minus strand). VCF-style: chr17-43092255-C-A. GRCh37 (hg19) VCF-style: chr17-41244272-C-A.
Other names: c.3012G>T, p.Glu1004Asp (NM_001407923.1, NM_001407924.1, NM_001407926.1 and 9 more transcripts); c.665-1223G>T (NM_001408425.1, NM_001408444.1, NM_001408438.1 and 12 more transcripts); c.671-1223G>T (NM_001408419.1, NM_001408423.1, NM_001408420.1 and 2 more transcripts); c.788-1223G>T (NM_001408403.1, NM_001407983.1, NM_001407975.1 and 17 more transcripts); c.3135G>T, p.Glu1045Asp (NM_001407730.1, NM_001407733.1, NM_001407735.1 and 29 more transcripts); c.3063G>T, p.Glu1021Asp (NM_001407571.1, NM_001407853.1, NM_001407894.1 and 9 more transcripts); c.3276G>T, p.Glu1092Asp (NM_001407581.1, NM_001407582.1, NM_001407583.1 and 30 more transcripts); c.3273G>T, p.Glu1091Asp (NM_001407587.1, NM_001407590.1, NM_001407591.1 and 22 more transcripts); and 41 more; short protein forms E1092D, E1045D, E1003D, E1044D, E1050D, E1091D, E924D, E964D.
Identifiers: ClinVar variation 489714 (VCV000489714.9), dbSNP rs764458412, ClinGen allele CA057993.